The following is an entry in ClinVar:

ClinVar aggregate classification (germline): Uncertain significance (1 of 4 stars; one submission).

Allele frequency attached by ClinVar (database versions not stated): gnomAD exomes below 0.00001.
gnomAD v4.1: 1 of 1,614,020 alleles (0.000062%); highest among the groups gnomAD compares: Non-Finnish European, 0.000085%; no homozygotes.

Submission:

Ambry Genetics
Classification: Uncertain significance. Last evaluated: 2025-04-19. Review status: criteria provided, single submitter. Criteria: Ambry Variant Classification Scheme 2023. Collection method: clinical testing. Allele origin: germline.
Comment: The p.V1027A variant (also known as c.3080T>C), located in coding exon 27 of the KIF1B gene, results from a T to C substitution at nucleotide position 3080. The valine at codon 1027 is replaced by alanine, an amino acid with similar properties. This amino acid position is conserved. In addition, this alteration is predicted to be tolerated by in silico analysis. Since supporting evidence is limited at this time, the clinical significance of this alteration remains unclear.

NM_001365951.3(KIF1B):c.3218T>C (p.Val1073Ala)

Gene: KIF1B (kinesin family member 1B; plus strand). Cytogenetic location: 1p36.22.
Variant type: single nucleotide variant.
Coding change: c.3218T>C on transcript NM_001365951.3 (MANE Select); coding-DNA position 3218, T replaced by C.
Protein change: p.Val1073Ala; replaces valine 1073 with alanine.
Molecular consequence: missense variant.
Genome position (GRCh38, 1-based): chr1:10,337,162, T>C. VCF-style: chr1-10337162-T-C. GRCh37 (hg19) VCF-style: chr1-10397220-T-C.
Other names: c.3218T>C, p.Val1073Ala (NM_001365952.1); c.3080T>C, p.Val1027Ala (NM_015074.3); short protein forms V1027A, V1073A.
Identifiers: ClinVar variation 1727369 (VCV001727369.3), dbSNP rs2521719406, ClinGen allele CA338339971.